The following is an entry in ClinVar:

ClinVar aggregate classification (germline): Uncertain significance (1 of 4 stars; one submission).

Conditions:
Inborn genetic diseases. Identifiers: MedGen C0950123, MeSH D030342.

gnomAD v4.1: 1 of 1,614,088 alleles (0.000062%); highest among the groups gnomAD compares: Non-Finnish European, 0.000085%; no homozygotes.

Submission:

Ambry Genetics
Classification: Uncertain significance for Inborn genetic diseases. Last evaluated: 2025-06-26. Review status: criteria provided, single submitter. Criteria: Ambry Variant Classification Scheme 2023. Collection method: clinical testing. Allele origin: germline.
Comment: The p.A236V variant (also known as c.707C>T), located in coding exon 6 of the FANCG gene, results from a C to T substitution at nucleotide position 707. The alanine at codon 236 is replaced by valine, an amino acid with similar properties. This amino acid position is conserved. In addition, this alteration is predicted to be tolerated by in silico analysis. Based on the available evidence, the clinical significance of this variant remains unclear.

NM_004629.2(FANCG):c.707C>T (p.Ala236Val)

Gene: FANCG (FA complementation group G; minus strand). Cytogenetic location: 9p13.3.
Variant type: single nucleotide variant.
Coding change: c.707C>T on transcript NM_004629.2 (MANE Select); coding-DNA position 707, C replaced by T.
Protein change: p.Ala236Val; replaces alanine 236 with valine.
Molecular consequence: missense variant.
Genome position (GRCh38, 1-based): chr9:35,077,041, G>A on the plus strand (C>T on the coding strand, the complement: FANCG is on the minus strand). VCF-style: chr9-35077041-G-A. GRCh37 (hg19) VCF-style: chr9-35077038-G-A.
Other names: short protein forms A236V.
Identifiers: ClinVar variation 4254431 (VCV004254431.1).